The following is an entry in ClinVar:

NC_000007.13:g.(?_124475323)_(124475478_?)dup

Gene: POT1 (protection of telomeres 1; minus strand). Cytogenetic location: 7q31.33.
Variant type: Duplication.
Identifiers: ClinVar variation 1520287 (VCV001520287.5).

ClinVar aggregate classification (germline): Likely pathogenic (1 of 4 stars; one submission).

Conditions:
Tumor predisposition syndrome 3 (TPDS3). Also called: Glioma susceptibility 9; LONG TELOMERE SYNDROME, POT1-RELATED; POT1 Tumor Predisposition; Melanoma, cutaneous malignant, susceptibility to, 10. Identifiers: Orphanet 618, MedGen C4014476, MONDO:0014368, OMIM 615848.

Submission:

Labcorp Genetics (formerly Invitae), Labcorp
Classification: Likely pathogenic for Tumor predisposition syndrome 3. Last evaluated: 2021-08-26. Review status: criteria provided, single submitter. Criteria: Invitae Variant Classification Sherloc (09022015). Collection method: clinical testing. Allele origin: germline.
Comment: This variant results in a copy number gain of the genomic region encompassing exon(s) 15 of the POT1 gene. While the exact position of this variant cannot be determined from the data, sub-genic copy number gains are generally in tandem (PMID: 25640679). This variant is predicted to be out-of-frame, and may result in an absent or disrupted protein product. Loss-of-function variants in POT1 are known to be pathogenic (PMID: 32155570). This variant has not been reported in the literature in individuals affected with POT1-related conditions. In summary, the currently available evidence indicates that the variant is pathogenic, but additional data are needed to prove that conclusively. Therefore, this variant has been classified as Likely Pathogenic.

Literature cited by the submitters: PubMed 25640679; PubMed 32155570.